The following is an entry in ClinVar:

NM_005228.5(EGFR):c.1936A>G (p.Ile646Val)

Gene: EGFR (epidermal growth factor receptor; plus strand). Cytogenetic location: 7p11.2.
Variant type: single nucleotide variant.
Coding change: c.1936A>G on transcript NM_005228.5 (MANE Select); coding-DNA position 1936, A replaced by G.
Protein change: p.Ile646Val; replaces isoleucine 646 with valine.
Molecular consequence: missense variant.
Genome position (GRCh38, 1-based): chr7:55,172,999, A>G. VCF-style: chr7-55172999-A-G. GRCh37 (hg19) VCF-style: chr7-55240692-A-G.
Other names: c.1801A>G, p.Ile601Val (NM_001346897.2, NM_001346899.2); c.1936A>G, p.Ile646Val (NM_001346898.2); c.1777A>G, p.Ile593Val (NM_001346900.2); c.1135A>G, p.Ile379Val (NM_001346941.2); c.1936A>G (NM_005228.3); short protein forms I379V, I593V, I601V, I646V.
Identifiers: ClinVar variation 1011360 (VCV001011360.10), dbSNP rs140516819, ClinGen allele CA158931015.

ClinVar aggregate classification (germline): Uncertain significance. Review status: criteria provided, multiple submitters, no conflicts (2 of 4 stars). 2 submissions from 2 submitters: Uncertain significance (2). Last evaluated 2025-12-10.

Conditions:
Hereditary cancer-predisposing syndrome. Also called: Tumor predisposition; Hereditary neoplastic syndrome; Neoplastic Syndromes, Hereditary; Hereditary Cancer Syndrome. Identifiers: Orphanet 140162, MedGen C0027672, MeSH D009386, MONDO:0015356.
EGFR-related lung cancer (EGFR). Identifiers: MedGen CN130014.

gnomAD v4.1: 15 of 1,614,150 alleles (0.00093%); highest among the groups gnomAD compares: Middle Eastern, 0.016%; no homozygotes.

Submissions (2):

Ambry Genetics
Classification: Uncertain significance for Hereditary cancer-predisposing syndrome. Last evaluated: 2025-12-10. Review status: criteria provided, single submitter. Criteria: Ambry Variant Classification Scheme 2023. Collection method: clinical testing. Allele origin: germline.
Comment: The p.I646V variant (also known as c.1936A>G), located in coding exon 17 of the EGFR gene, results from an A to G substitution at nucleotide position 1936. The isoleucine at codon 646 is replaced by valine, an amino acid with highly similar properties. This amino acid position is highly conserved in available vertebrate species. In addition, the in silico prediction for this alteration is inconclusive. Based on the available evidence, the clinical significance of this variant remains unclear.

Labcorp Genetics (formerly Invitae), Labcorp
Classification: Uncertain significance for EGFR-related lung cancer. Last evaluated: 2024-10-02. Review status: criteria provided, single submitter. Criteria: Invitae Variant Classification Sherloc (09022015). Collection method: clinical testing. Allele origin: germline.
Comment: This sequence change replaces isoleucine, which is neutral and non-polar, with valine, which is neutral and non-polar, at codon 646 of the EGFR protein (p.Ile646Val). This variant is not present in population databases (gnomAD no frequency). This variant has not been reported in the literature in individuals affected with EGFR-related conditions. ClinVar contains an entry for this variant (Variation ID: 1011360). Invitae Evidence Modeling of protein sequence and biophysical properties (such as structural, functional, and spatial information, amino acid conservation, physicochemical variation, residue mobility, and thermodynamic stability) indicates that this missense variant is not expected to disrupt EGFR protein function with a negative predictive value of 80%. In summary, the available evidence is currently insufficient to determine the role of this variant in disease. Therefore, it has been classified as a Variant of Uncertain Significance.